The following is an entry in ClinVar:

ClinVar aggregate classification (germline): Uncertain significance (1 of 4 stars; one submission).

Conditions:
Arrhythmogenic right ventricular dysplasia 10. Also called: Arrhythmogenic Right Ventricular Dysplasia/Cardiomyopathy10; Arrhythmogenic right ventricular dysplasia/cardiomyopathy, type 10; ARRHYTHMOGENIC RIGHT VENTRICULAR DYSPLASIA, FAMILIAL, 10. Identifiers: MedGen C1857777, MONDO:0012434, OMIM 610193.

Submission:

Labcorp Genetics (formerly Invitae), Labcorp
Classification: Uncertain significance for Arrhythmogenic right ventricular dysplasia 10. Last evaluated: 2024-03-13. Review status: criteria provided, single submitter. Criteria: Invitae Variant Classification Sherloc (09022015). Collection method: clinical testing. Allele origin: germline.
Comment: This sequence change replaces serine, which is neutral and polar, with threonine, which is neutral and polar, at codon 445 of the DSG2 protein (p.Ser445Thr). This variant is not present in population databases (gnomAD no frequency). This variant has not been reported in the literature in individuals affected with DSG2-related conditions. Advanced modeling of protein sequence and biophysical properties (such as structural, functional, and spatial information, amino acid conservation, physicochemical variation, residue mobility, and thermodynamic stability) performed at Invitae indicates that this missense variant is not expected to disrupt DSG2 protein function with a negative predictive value of 95%. In summary, the available evidence is currently insufficient to determine the role of this variant in disease. Therefore, it has been classified as a Variant of Uncertain Significance.

NM_001943.5(DSG2):c.1333T>A (p.Ser445Thr)

Gene: DSG2 (desmoglein 2; plus strand). Cytogenetic location: 18q12.1.
Variant type: single nucleotide variant.
Coding change: c.1333T>A on transcript NM_001943.5 (MANE Select); coding-DNA position 1333, T replaced by A.
Protein change: p.Ser445Thr; replaces serine 445 with threonine.
Molecular consequence: missense variant.
Genome position (GRCh38, 1-based): chr18:31,535,322, T>A. VCF-style: chr18-31535322-T-A. GRCh37 (hg19) VCF-style: chr18-29115285-T-A.
Other names: short protein forms S445T.
Identifiers: ClinVar variation 3637548 (VCV003637548.2).
Genomic context (GRCh38, chr18:31,535,322, plus strand): 5'-TATGACAGATATGTAAAATTAGAAGATAGAGATAATTGGATCTCTGTGGATTCTGTCACA[T>A]CTGAAATTAAACTTGCAAAACTTCCTGATTTTGAATCTAGATATGTTCAAAATGGCACAT-3'
Protein context (NP_001934.2, residues 435-455): DNWISVDSVT[Ser445Thr]EIKLAKLPDF